The following is an entry in ClinVar:

NM_024747.6(HPS6):c.1060C>T (p.His354Tyr)

Gene: HPS6 (HPS6 biogenesis of lysosomal organelles complex 2 subunit 3; plus strand). Cytogenetic location: 10q24.32.
Variant type: single nucleotide variant.
Coding change: c.1060C>T on transcript NM_024747.6 (MANE Select); coding-DNA position 1060, C replaced by T.
Protein change: p.His354Tyr; replaces histidine 354 with tyrosine.
Molecular consequence: missense variant.
Genome position (GRCh38, 1-based): chr10:102,066,534, C>T. VCF-style: chr10-102066534-C-T. GRCh37 (hg19) VCF-style: chr10-103826291-C-T.
Other names: short protein forms H354Y.
Identifiers: ClinVar variation 502686 (VCV000502686.22), dbSNP rs149692177, ClinGen allele CA5659910.

ClinVar aggregate classification (germline): Conflicting classifications of pathogenicity. Review status: criteria provided, conflicting classifications (1 of 4 stars). 6 submissions from 6 submitters: Uncertain significance (4); Likely benign (2). Last evaluated 2026-02-02.

Conditions:
Hermansky-Pudlak syndrome 6 (HPS6). Identifiers: Orphanet 231512, Orphanet 79430, MedGen C3888007, MONDO:0013558, OMIM 614075.

Allele frequency attached by ClinVar (database versions not stated): gnomAD exomes 0.00038 and 0.00032; gnomAD 0.00033 and 0.00034; ESP Exome Variant Server 0.00038; ExAC 0.00040; TOPMed 0.00043.

Submissions (6):

Labcorp Genetics (formerly Invitae), Labcorp
Classification: Likely benign. Last evaluated: 2026-02-02. Review status: criteria provided, single submitter. Criteria: Invitae Variant Classification Sherloc (09022015). Collection method: clinical testing. Allele origin: germline.

Blueprint Genetics
Classification: Likely benign. Last evaluated: 2024-11-13. Review status: criteria provided, single submitter. Criteria: ACMG Guidelines, 2015. Collection method: clinical testing. Allele origin: germline.

Women's Health and Genetics/Laboratory Corporation of America, LabCorp
Classification: Uncertain significance. Last evaluated: 2024-02-12. Review status: criteria provided, single submitter. Criteria: LabCorp Variant Classification Summary - May 2015. Collection method: clinical testing. Allele origin: germline.
Comment: Variant summary: HPS6 c.1060C>T (p.His354Tyr) results in a conservative amino acid change located in the BLOC-2 complex member HPS6, N-terminal domain (IPR046823) of the encoded protein sequence. Four of five in-silico tools predict a benign effect of the variant on protein function. The variant allele was found at a frequency of 0.00038 in 250910 control chromosomes in the gnomAD database, including 1 homozygotes. This frequency is not significantly higher than estimated for a pathogenic variant in HPS6 causing Hermansky-Pudlak Syndrome (0.00038 vs 0.00063), allowing no conclusion about variant significance. To our knowledge, no occurrence of c.1060C>T in individuals affected with Hermansky-Pudlak Syndrome and no experimental evidence demonstrating its impact on protein function have been reported. ClinVar contains an entry for this variant (Variation ID: 502686). Based on the evidence outlined above, the variant was classified as uncertain significance.

Genetic Services Laboratory, University of Chicago
Classification: Uncertain significance. Last evaluated: 2020-03-30. Review status: criteria provided, single submitter. Criteria: ACMG Guidelines, 2015. Collection method: clinical testing. Allele origin: germline. Affected: no.
Comment: DNA sequence analysis of the HPS6 gene demonstrated a sequence change, c.1060C>T, in exon 1 that results in an amino acid change, p.His354Tyr. This sequence change does not appear to have been previously described in patients with HPS6-related disorders and has been described in the gnomAD database with a population frequency of 0.052% in non-Finnish European subpopulation (dbSNP rs149692177). The p.His354Tyr change affects a moderately conserved amino acid residue located in a domain of the HPS6 protein that is known to be functional. The p.His354Tyr substitution appears to be benign using several in-silico pathogenicity prediction tools (SIFT, PolyPhen2, Align GVGD, REVEL). Due to these contrasting evidences and the lack of functional studies, the clinical significance of the p.His354Tyr change remains unknown at this time.

Illumina Laboratory Services, Illumina
Classification: Uncertain significance for Hermansky-Pudlak syndrome 6. Last evaluated: 2018-01-13. Review status: criteria provided, single submitter. Criteria: ICSL Variant Classification Criteria 13 December 2019. Collection method: clinical testing. Allele origin: germline.

Eurofins Ntd Llc (ga)
Classification: Uncertain significance. Last evaluated: 2017-06-23. Review status: criteria provided, single submitter. Criteria: EGL Classification Definitions 2015. Collection method: clinical testing. Allele origin: germline. Observed: 1 variant allele, 1 heterozygote.